The following is an entry in ClinVar:

ClinVar aggregate classification (germline): Uncertain significance. Review status: criteria provided, multiple submitters, no conflicts (2 of 4 stars). 2 submissions from 2 submitters: Uncertain significance (2). Last evaluated 2025-02-08.

Conditions:
Hereditary cancer-predisposing syndrome. Also called: Hereditary neoplastic syndrome; Neoplastic Syndromes, Hereditary; Hereditary Cancer Syndrome; Tumor predisposition. Identifiers: Orphanet 140162, MedGen C0027672, MeSH D009386, MONDO:0015356.
Gastrointestinal stromal tumor. Also called: Gastrointestinal stromal tumor, somatic; Gastrointestinal stroma tumor. Identifiers: Orphanet 44890, MedGen C0238198, MeSH D046152, MONDO:0011719, OMIM 606764, HP:0100723.

Allele frequency attached by ClinVar (database versions not stated): TOPMed below 0.00001.

Submissions (2):

Labcorp Genetics (formerly Invitae), Labcorp
Classification: Uncertain significance for Gastrointestinal stromal tumor. Last evaluated: 2025-02-08. Review status: criteria provided, single submitter. Criteria: Invitae Variant Classification Sherloc (09022015). Collection method: clinical testing. Allele origin: germline.
Comment: This sequence change replaces valine, which is neutral and non-polar, with leucine, which is neutral and non-polar, at codon 575 of the PDGFRA protein (p.Val575Leu). This variant is not present in population databases (gnomAD no frequency). This variant has not been reported in the literature in individuals affected with PDGFRA-related conditions. ClinVar contains an entry for this variant (Variation ID: 565780). Invitae Evidence Modeling of protein sequence and biophysical properties (such as structural, functional, and spatial information, amino acid conservation, physicochemical variation, residue mobility, and thermodynamic stability) indicates that this missense variant is not expected to disrupt PDGFRA protein function with a negative predictive value of 80%. In summary, the available evidence is currently insufficient to determine the role of this variant in disease. Therefore, it has been classified as a Variant of Uncertain Significance.

Ambry Genetics
Classification: Uncertain significance for Hereditary cancer-predisposing syndrome. Last evaluated: 2023-09-27. Review status: criteria provided, single submitter. Criteria: Ambry Variant Classification Scheme 2023. Collection method: clinical testing. Allele origin: germline.
Comment: The p.V575L variant (also known as c.1723G>C), located in coding exon 11 of the PDGFRA gene, results from a G to C substitution at nucleotide position 1723. The valine at codon 575 is replaced by leucine, an amino acid with highly similar properties. This amino acid position is conserved. In addition, this alteration is predicted to be deleterious by in silico analysis. Since supporting evidence is limited at this time, the clinical significance of this alteration remains unclear.

NM_006206.6(PDGFRA):c.1723G>C (p.Val575Leu)

Gene: PDGFRA (platelet derived growth factor receptor alpha; plus strand). Cytogenetic location: 4q12.
Variant type: single nucleotide variant.
Coding change: c.1723G>C on transcript NM_006206.6 (MANE Select); coding-DNA position 1723, G replaced by C.
Protein change: p.Val575Leu; replaces valine 575 with leucine.
Molecular consequence: missense variant.
Genome position (GRCh38, 1-based): chr4:54,274,910, G>C. VCF-style: chr4-54274910-G-C. GRCh37 (hg19) VCF-style: chr4-55141077-G-C.
Other names: c.1723G>C, p.Val575Leu (NM_001347827.2, NM_001347829.2); c.1798G>C, p.Val600Leu (NM_001347828.2); c.1762G>C, p.Val588Leu (NM_001347830.2); short protein forms V575L, V600L, V588L.
Identifiers: ClinVar variation 565780 (VCV000565780.10), dbSNP rs935967127, ClinGen allele CA96859744.
Genomic context (GRCh38, chr4:54,274,910, plus strand): 5'-TATGAAATTCGCTGGAGGGTCATTGAATCAATCAGCCCAGATGGACATGAATATATTTAT[G>C]TGGACCCGATGCAGCTGCCTTATGACTCAAGATGGGAGTTTCCAAGAGATGGACTAGTGC-3'
Protein context (NP_006197.1, residues 565-585): ISPDGHEYIY[Val575Leu]DPMQLPYDSR